The following is an entry in ClinVar:

ClinVar aggregate classification (germline): Benign (1 of 4 stars; one submission).

Conditions:
Prostate cancer, hereditary, 9 (HPC9). Identifiers: Orphanet 1331, MedGen C1970250, MONDO:0012597, OMIM 610997.

Submission:

Myriad Genetics, Inc.
Classification: Benign for Prostate cancer, hereditary, 9. Last evaluated: 2024-10-29. Review status: criteria provided, single submitter. Criteria: Myriad Autosomal Dominant, Autosomal Recessive and X-Linked Classification Criteria (2023). Collection method: clinical testing. Allele origin: unknown.
Comment: This variant is considered benign. This variant is a silent/synonymous amino acid change and it is not expected to impact splicing.

NM_006361.6(HOXB13):c.300T>C (p.Cys100=)

Gene: HOXB13 (homeobox B13; minus strand). Cytogenetic location: 17q21.32.
Variant type: single nucleotide variant.
Coding change: c.300T>C on transcript NM_006361.6 (MANE Select); coding-DNA position 300, T replaced by C.
Protein change: p.Cys100=; no amino-acid change (cysteine 100 retained).
Molecular consequence: synonymous variant.
Genome position (GRCh38, 1-based): chr17:48,728,294, A>G on the plus strand (T>C on the coding strand, the complement: HOXB13 is on the minus strand). VCF-style: chr17-48728294-A-G. GRCh37 (hg19) VCF-style: chr17-46805656-A-G.
Identifiers: ClinVar variation 3772985 (VCV003772985.1).